The following is an entry in ClinVar:

NM_006231.4(POLE):c.5540A>T (p.Lys1847Met)

Gene: POLE (DNA polymerase epsilon, catalytic subunit; minus strand). Cytogenetic location: 12q24.33.
Variant type: single nucleotide variant.
Coding change: c.5540A>T on transcript NM_006231.4 (MANE Select); coding-DNA position 5540, A replaced by T.
Protein change: p.Lys1847Met; replaces lysine 1847 with methionine.
Molecular consequence: missense variant.
Genome position (GRCh38, 1-based): chr12:132,639,137, T>A on the plus strand (A>T on the coding strand, the complement: POLE is on the minus strand). VCF-style: chr12-132639137-T-A. GRCh37 (hg19) VCF-style: chr12-133215723-T-A.
Other names: short protein forms K1847M.
Identifiers: ClinVar variation 3422113 (VCV003422113.1).

ClinVar aggregate classification (germline): Uncertain significance (1 of 4 stars; one submission).

Conditions:
Hereditary cancer-predisposing syndrome. Also called: Neoplastic Syndromes, Hereditary; Tumor predisposition; Hereditary Cancer Syndrome; Hereditary neoplastic syndrome. Identifiers: Orphanet 140162, MedGen C0027672, MeSH D009386, MONDO:0015356.

Submission:

Ambry Genetics
Classification: Uncertain significance for Hereditary cancer-predisposing syndrome. Last evaluated: 2024-07-14. Review status: criteria provided, single submitter. Criteria: Ambry Variant Classification Scheme 2023. Collection method: clinical testing. Allele origin: germline.
Comment: The p.K1847M variant (also known as c.5540A>T), located in coding exon 40 of the POLE gene, results from an A to T substitution at nucleotide position 5540. The lysine at codon 1847 is replaced by methionine, an amino acid with similar properties. This amino acid position is conserved. In addition, this alteration is predicted to be deleterious by in silico analysis. Based on the available evidence, the clinical significance of this variant remains unclear.